The following is an entry in ClinVar:

NM_001042492.3(NF1):c.1527+4A>C

Gene: NF1 (neurofibromin 1; plus strand). Cytogenetic location: 17q11.2.
Variant type: single nucleotide variant.
Coding change: c.1527+4A>C on transcript NM_001042492.3 (MANE Select); 4 bases into the intron after coding-DNA position 1527, A replaced by C.
Molecular consequence: intron variant.
Genome position (GRCh38, 1-based): chr17:31,214,589, A>C. VCF-style: chr17-31214589-A-C. GRCh37 (hg19) VCF-style: chr17-29541607-A-C.
Other names: c.1527+4A>C (NM_000267.4, NM_001128147.3).
Identifiers: ClinVar variation 4119044 (VCV004119044.1).

ClinVar aggregate classification (germline): Uncertain significance (1 of 4 stars; one submission).

Conditions:
Cardiovascular phenotype. Identifiers: MedGen CN230736.
Hereditary cancer-predisposing syndrome. Also called: Hereditary neoplastic syndrome; Neoplastic Syndromes, Hereditary; Tumor predisposition; Hereditary Cancer Syndrome. Identifiers: Orphanet 140162, MedGen C0027672, MeSH D009386, MONDO:0015356.

Submission:

Ambry Genetics
Classification: Uncertain significance for Cardiovascular phenotype; Hereditary cancer-predisposing syndrome. Last evaluated: 2025-07-08. Review status: criteria provided, single submitter. Criteria: Ambry Variant Classification Scheme 2023. Collection method: clinical testing. Allele origin: germline.
Comment: The c.1527+4A>C intronic variant results from an A to C substitution 4 nucleotides after coding exon 13 in the NF1 gene. This nucleotide position is highly conserved in available vertebrate species. In silico splice site analysis predicts that this alteration will not have any significant effect on splicing. Based on the available evidence, the clinical significance of this variant remains unclear.